The following is an entry in ClinVar:

NM_000245.4(MET):c.3299A>G (p.Asn1100Ser)

Gene: MET (MET proto-oncogene, receptor tyrosine kinase; plus strand). Cytogenetic location: 7q31.2.
Variant type: single nucleotide variant.
Coding change: c.3299A>G on transcript NM_000245.4 (MANE Select); coding-DNA position 3299, A replaced by G.
Protein change: p.Asn1100Ser; replaces asparagine 1100 with serine.
Molecular consequence: missense variant.
Genome position (GRCh38, 1-based): chr7:116,777,428, A>G. VCF-style: chr7-116777428-A-G. GRCh37 (hg19) VCF-style: chr7-116417482-A-G.
Other names: c.3353A>G, p.Asn1118Ser (NM_001127500.3); c.2009A>G, p.Asn670Ser (NM_001324402.2); short protein forms N1118S, N670S, N1100S.
Identifiers: ClinVar variation 946270 (VCV000946270.7), dbSNP rs1795029901, ClinGen allele CA368989668.

ClinVar aggregate classification (germline): Conflicting classifications of pathogenicity. Review status: criteria provided, conflicting classifications (1 of 4 stars). 2 submissions from 2 submitters: Uncertain significance (1); Likely benign (1). Last evaluated 2025-03-31.

Conditions:
Renal cell carcinoma. Identifiers: Orphanet 217071, MedGen C0007134, MeSH D002292, MONDO:0005086, HP:0005584.
Hereditary cancer-predisposing syndrome. Also called: Neoplastic Syndromes, Hereditary; Hereditary Cancer Syndrome; Tumor predisposition; Hereditary neoplastic syndrome. Identifiers: Orphanet 140162, MedGen C0027672, MeSH D009386, MONDO:0015356.

Submissions (2):

Labcorp Genetics (formerly Invitae), Labcorp
Classification: Uncertain significance for Renal cell carcinoma. Last evaluated: 2025-03-31. Review status: criteria provided, single submitter. Criteria: Invitae Variant Classification Sherloc (09022015). Collection method: clinical testing. Allele origin: germline.
Comment: This sequence change replaces asparagine, which is neutral and polar, with serine, which is neutral and polar, at codon 1118 of the MET protein (p.Asn1118Ser). This variant is not present in population databases (gnomAD no frequency). This variant has not been reported in the literature in individuals affected with MET-related conditions. ClinVar contains an entry for this variant (Variation ID: 946270). Invitae Evidence Modeling of protein sequence and biophysical properties (such as structural, functional, and spatial information, amino acid conservation, physicochemical variation, residue mobility, and thermodynamic stability) indicates that this missense variant is not expected to disrupt MET protein function with a negative predictive value of 80%. In summary, the available evidence is currently insufficient to determine the role of this variant in disease. Therefore, it has been classified as a Variant of Uncertain Significance.

Ambry Genetics
Classification: Likely benign for Hereditary cancer-predisposing syndrome. Last evaluated: 2024-12-27. Review status: criteria provided, single submitter. Criteria: Ambry Variant Classification Scheme 2023. Collection method: clinical testing. Allele origin: germline.